The following is an entry in ClinVar:

NM_001130145.3(YAP1):c.204C>G (p.Leu68=)

Gene: YAP1 (Yes1 associated transcriptional regulator; plus strand). Cytogenetic location: 11q22.1.
Variant type: single nucleotide variant.
Coding change: c.204C>G on transcript NM_001130145.3 (MANE Select); coding-DNA position 204, C replaced by G.
Protein change: p.Leu68=; no amino-acid change (leucine 68 retained).
Molecular consequence: synonymous variant.
Genome position (GRCh38, 1-based): chr11:102,111,052, C>G. VCF-style: chr11-102111052-C-G. GRCh37 (hg19) VCF-style: chr11-101981783-C-G.
Other names: c.204C>G, p.Leu68= (NM_001195044.2, NM_001282097.2, NM_001282098.2 and 4 more transcripts).
Identifiers: ClinVar variation 725467 (VCV000725467.7), dbSNP rs201354835, ClinGen allele CA6246169.

ClinVar aggregate classification (germline): Likely benign. Review status: criteria provided, single submitter (1 of 4 stars). 2 submissions from 2 submitters: Likely benign (1). 1 of the submissions does not count toward it. Last evaluated 2024-08-01.

Conditions:
YAP1-related disorder. Also called: YAP1-related condition.

Allele frequency attached by ClinVar (database versions not stated): TOPMed 0.00014; ESP Exome Variant Server 0.00015; gnomAD 0.00019.
gnomAD v4.1: 348 of 1,612,990 alleles (0.022%); highest among the groups gnomAD compares: Non-Finnish European, 0.027%; no homozygotes.

Submissions (2):

Labcorp Genetics (formerly Invitae), Labcorp
Classification: Likely benign. Last evaluated: 2024-08-01. Review status: criteria provided, single submitter. Criteria: Invitae Variant Classification Sherloc (09022015). Collection method: clinical testing. Allele origin: germline.

PreventionGenetics, part of Exact Sciences
Classification: Likely benign for YAP1-related condition. Last evaluated: 2019-05-28. Review status: no assertion criteria provided. Collection method: clinical testing. Allele origin: germline. Not counted in ClinVar's aggregate classification.
Comment: This variant is classified as likely benign based on ACMG/AMP sequence variant interpretation guidelines (Richards et al. 2015 PMID: 25741868, with internal and published modifications).